The following is an entry in ClinVar:

NM_000059.4(BRCA2):c.9895C>T (p.Gln3299Ter)

Gene: BRCA2 (BRCA2 DNA repair associated; plus strand). Cytogenetic location: 13q13.1.
Variant type: single nucleotide variant.
Coding change: c.9895C>T on transcript NM_000059.4 (MANE Select); coding-DNA position 9895, C replaced by T.
Protein change: p.Gln3299Ter; replaces glutamine 3299 with a stop codon.
Molecular consequence: nonsense.
Genome position (GRCh38, 1-based): chr13:32,398,408, C>T. VCF-style: chr13-32398408-C-T. GRCh37 (hg19) VCF-style: chr13-32972545-C-T.
Other names: short protein forms Q3299*.
Identifiers: ClinVar variation 462540 (VCV000462540.15), dbSNP rs1555289997, ClinGen allele CA387766882.

ClinVar aggregate classification (germline): Pathogenic. Review status: criteria provided, multiple submitters, no conflicts (2 of 4 stars). 3 submissions from 3 submitters: Pathogenic (3). Last evaluated 2026-01-31.

Conditions:
Hereditary cancer-predisposing syndrome. Also called: Neoplastic Syndromes, Hereditary; Hereditary Cancer Syndrome; Hereditary neoplastic syndrome; Tumor predisposition. Identifiers: Orphanet 140162, MedGen C0027672, MeSH D009386, MONDO:0015356.
Hereditary breast ovarian cancer syndrome. Also called: Hereditary breast and ovarian cancer syndrome (HBOC); Hereditary breast and ovarian cancer syndrome; Breast and ovarian cancer; Hereditary breast and/or ovarian cancer syndrome; Hereditary breast and ovarian cancer; BRCA1- and BRCA2-Associated Hereditary Breast and Ovarian Cancer. Identifiers: Orphanet 145, MedGen C0677776, MeSH D061325, MONDO:0003582. Disease mechanism: loss of function.

Submissions (3):

Labcorp Genetics (formerly Invitae), Labcorp
Classification: Pathogenic for Hereditary breast ovarian cancer syndrome. Last evaluated: 2026-01-31. Review status: criteria provided, single submitter. Criteria: Invitae Variant Classification Sherloc (09022015). Collection method: clinical testing. Allele origin: germline.
Comment: This sequence change creates a premature translational stop signal (p.Gln3299*) in the BRCA2 gene. While this is not anticipated to result in nonsense mediated decay, it is expected to disrupt the last 120 amino acid(s) of the BRCA2 protein. This variant is not present in population databases (gnomAD no frequency). This variant has not been reported in the literature in individuals affected with BRCA2-related conditions. ClinVar contains an entry for this variant (Variation ID: 462540). This variant disrupts a region of the BRCA2 protein in which other variant(s) (p.Tyr3308*) have been determined to be pathogenic (PMID: 18593900, 18607349). This suggests that this is a clinically significant region of the protein, and that variants that disrupt it are likely to be disease-causing. For these reasons, this variant has been classified as Pathogenic.

Ambry Genetics
Classification: Pathogenic for Hereditary cancer-predisposing syndrome. Last evaluated: 2025-07-18. Review status: criteria provided, single submitter. Criteria: Ambry Variant Classification Scheme 2023. Collection method: clinical testing. Allele origin: germline.
Comment: The p.Q3299* pathogenic mutation (also known as c.9895C>T), located in coding exon 26 of the BRCA2 gene, results from a C to T substitution at nucleotide position 9895. This changes the amino acid from a glutamine to a stop codon within coding exon 26. This alteration occurs at the 3' terminus of theBRCA2 gene, is not expected to trigger nonsense-mediated mRNA decay, and impacts the last 120 amino acids of the protein. However, premature stop codons are typically deleterious in nature and the impacted region is critical for protein function (Ambry internal data). This variant was reported in individual(s) with features consistent with BRCA2-related cancer predisposition (Kechin et al. 2023 Jan;197(2):387-395; Sokolenko et al. Cancer Med. 2023 Feb;12(3):3167-3171). This variant is considered to be rare based on population cohorts in the Genome Aggregation Database (gnomAD). Based on the supporting evidence, this variant is interpreted as a disease-causing mutation.

Clinical Genetics Laboratory, Skane University Hospital Lund
Classification: Pathogenic. Last evaluated: 2022-05-27. Review status: criteria provided, single submitter. Criteria: ACMG Guidelines, 2015. Collection method: clinical testing. Allele origin: germline. Affected: yes.

Literature cited by the submitters: PubMed 18593900 (cited by Labcorp Genetics (formerly Invitae), Labcorp); PubMed 18607349 (cited by Labcorp Genetics (formerly Invitae), Labcorp).